The following is an entry in ClinVar:

ClinVar aggregate classification (germline): Uncertain significance. Review status: criteria provided, multiple submitters, no conflicts (2 of 4 stars). 11 submissions from 10 submitters: Uncertain significance (9). 2 of the submissions do not count toward it. Last evaluated 2025-12-10.

Conditions:
Cardiovascular phenotype. Identifiers: MedGen CN230736.
Dilated cardiomyopathy 1BB (CMD1BB). Also called: CARDIOMYOPATHY, DILATED, 1BB, SUSCEPTIBILITY TO. Identifiers: Orphanet 154, MedGen C2752072, MONDO:0013030, OMIM 612877.
Arrhythmogenic right ventricular dysplasia 10. Also called: ARRHYTHMOGENIC RIGHT VENTRICULAR DYSPLASIA, FAMILIAL, 10; Arrhythmogenic Right Ventricular Dysplasia/Cardiomyopathy10; Arrhythmogenic right ventricular dysplasia/cardiomyopathy, type 10. Identifiers: MedGen C1857777, MONDO:0012434, OMIM 610193.
Arrhythmogenic right ventricular cardiomyopathy (ARVD). Also called: Cardiomyopathy, ARVC; Arrhythmogenic right ventricular dysplasia; Arrhythmogenic cardiomyopathy; Arrhythmogenic Right Ventricular Cardiomyopathy (ARVC). Identifiers: Orphanet 247, MedGen C0349788, MeSH D019571, MONDO:0016587. Disease mechanism: loss of function. Inheritance: Various modes of inheritance.
Cardiomyopathy (CMYO). Also called: Cardiomyopathies. Identifiers: Orphanet 167848, MedGen C0878544, MONDO:0004994, HP:0001638. Inheritance: Various modes of inheritance.
Hypertrophic cardiomyopathy. Also called: HYPERTROPHIC MYOCARDIOPATHY. Identifiers: Orphanet 217569, MedGen C0007194, MeSH D002312, MONDO:0005045, HP:0001639.

Allele frequency attached by ClinVar (database versions not stated): gnomAD 0.00003 and 0.00004; TOPMed 0.00005.
gnomAD v4.1: 13 of 1,613,764 alleles (0.00081%); highest among the groups gnomAD compares: African/African-American, 0.011%; no homozygotes.

Submissions (11):

Labcorp Genetics (formerly Invitae), Labcorp
Classification: Uncertain significance for Arrhythmogenic right ventricular dysplasia 10. Last evaluated: 2025-12-10. Review status: criteria provided, single submitter. Criteria: Invitae Variant Classification Sherloc (09022015). Collection method: clinical testing. Allele origin: germline.
Comment: This sequence change replaces tyrosine, which is neutral and polar, with cysteine, which is neutral and slightly polar, at codon 198 of the DSG2 protein (p.Tyr198Cys). This variant is present in population databases (rs786204291, gnomAD 0.01%). This missense change has been observed in individuals with clinical features of DSG2-related conditions (PMID: 24125834, 27055156, 29456632, 30830208, 32659924, 33460606). ClinVar contains an entry for this variant (Variation ID: 188451). Invitae Evidence Modeling of protein sequence and biophysical properties (such as structural, functional, and spatial information, amino acid conservation, physicochemical variation, residue mobility, and thermodynamic stability) has been performed for this missense variant. However, the output from this modeling did not meet the statistical confidence thresholds required to predict the impact of this variant on DSG2 protein function. In summary, the available evidence is currently insufficient to determine the role of this variant in disease. Therefore, it has been classified as a Variant of Uncertain Significance.

Molecular Diagnostic Laboratory for Inherited Cardiovascular Disease, Montreal Heart Institute
Classification: Uncertain significance for Cardiovascular phenotype. Last evaluated: 2025-04-09. Review status: criteria provided, single submitter. Criteria: ACMG Guidelines, 2015. Collection method: clinical testing. Allele origin: germline. Affected: yes.
Comment: PM1, PS4_supp, PP3

Ambry Genetics
Classification: Uncertain significance for Cardiovascular phenotype. Last evaluated: 2024-12-31. Review status: criteria provided, single submitter. Criteria: Ambry Variant Classification Scheme 2023. Collection method: clinical testing. Allele origin: germline.
Comment: The p.Y198C variant (also known as c.593A>G), located in coding exon 6 of the DSG2 gene, results from an A to G substitution at nucleotide position 593. The tyrosine at codon 198 is replaced by cysteine, an amino acid with highly dissimilar properties. This variant was reported in individual(s) with features consistent with arrhythmogenic right ventricular cardiomyopathy, and some individuals also had other variants in the DSG2 gene (Bao J et al. Circ Cardiovasc Genet, 2013 Dec;6:552-6; Xiang R et al. Int. J. Cardiol., 2016 Jul;214:1-3; Chen X et al. Forensic Sci Int, 2017 Jun;275:14-22; Chen K et al. Clin Cardiol, 2018 May;41:615-622; Scheel PJ et al. Am J Cardiol, 2021 Apr;145:128-134). This amino acid position is well conserved in available vertebrate species. In addition, this alteration is predicted to be deleterious by in silico analysis. Based on the available evidence, the clinical significance of this variant remains unclear.

Blueprint Genetics
Classification: Uncertain significance. Last evaluated: 2024-09-09. Review status: criteria provided, single submitter. Criteria: ACMG Guidelines, 2015. Collection method: clinical testing. Allele origin: germline.

All of Us Research Program, National Institutes of Health
Classification: Uncertain significance for Arrhythmogenic right ventricular cardiomyopathy. Last evaluated: 2024-01-03. Review status: criteria provided, single submitter. Criteria: ACMG Guidelines, 2015. Collection method: clinical testing. Allele origin: germline. Inheritance: Autosomal dominant inheritance. Observed: 2 variant alleles, 2 heterozygotes.
Comment: This missense variant replaces tyrosine with cysteine at codon 198 of the DSG2 protein. Computational prediction suggests that this variant may have deleterious impact on protein structure and function (internally defined REVEL score threshold >= 0.7, PMID: 27666373). To our knowledge, functional studies have not been reported for this variant. This variant has been reported in at least six unrelated individuals affected with arrhythmogenic right ventricular cardiomyopathy (PMID: 24125834, 27055156, 29750433, 33460606, 37418234), including one individual who carried a second pathogenic variant in the DSG2 gene (PMID: 29750433). This variant was also reported in two individuals affected with hypertrophic cardiomyopathy (PMID: 30847666, 32659924). This variant has been identified in 5/280796 chromosomes in the general population by the Genome Aggregation Database (gnomAD). The available evidence is insufficient to determine the role of this variant in disease conclusively. Therefore, this variant is classified as a Variant of Uncertain Significance.

This study involves interpretation of variants in research participants for the purpose of population health screening. Participant phenotype was not available at the time of variant classification. Additional details can be found in publication PMID: 35346344, PMCID: PMC8962531

Color Diagnostics, LLC DBA Color Health
Classification: Uncertain significance for Cardiomyopathy. Last evaluated: 2023-12-13. Review status: criteria provided, single submitter. Criteria: ACMG Guidelines, 2015. Collection method: clinical testing. Allele origin: germline.
Comment: This missense variant replaces tyrosine with cysteine at codon 198 of the DSG2 protein. Computational prediction suggests that this variant may have deleterious impact on protein structure and function (internally defined REVEL score threshold >= 0.7, PMID: 27666373). To our knowledge, functional studies have not been reported for this variant. This variant has been reported in at least six unrelated individuals affected with arrhythmogenic right ventricular cardiomyopathy (PMID: 24125834, 27055156, 29750433, 33460606, 37418234), including one individual who carried a second pathogenic variant in the DSG2 gene (PMID: 29750433). This variant was also reported in two individuals affected with hypertrophic cardiomyopathy (PMID: 30847666, 32659924). This variant has been identified in 5/280796 chromosomes in the general population by the Genome Aggregation Database (gnomAD). The available evidence is insufficient to determine the role of this variant in disease conclusively. Therefore, this variant is classified as a Variant of Uncertain Significance.

Fulgent Genetics
Classification: Uncertain significance for Arrhythmogenic right ventricular dysplasia 10; Dilated cardiomyopathy 1BB. Last evaluated: 2022-02-14. Review status: criteria provided, single submitter. Criteria: ACMG Guidelines, 2015. Collection method: clinical testing. Allele origin: unknown.

Centre for Mendelian Genomics, University Medical Centre Ljubljana
Classification: Uncertain significance for Hypertrophic cardiomyopathy. Last evaluated: 2021-05-01. Review status: criteria provided, single submitter. Criteria: ACMG Guidelines, 2015. Collection method: clinical testing. Allele origin: unknown. Affected: yes.

Centre for Mendelian Genomics, University Medical Centre Ljubljana
Classification: Uncertain significance for Arrhythmogenic right ventricular dysplasia 10. Last evaluated: 2021-05-01. Review status: criteria provided, single submitter. Criteria: ACMG Guidelines, 2015. Collection method: clinical testing. Allele origin: unknown. Affected: yes.

Clinical Genetics, Academic Medical Center
Classification: Uncertain significance. Review status: no assertion criteria provided. Collection method: clinical testing. Allele origin: germline. Affected: yes. Study: VKGL Data-share Consensus. Not counted in ClinVar's aggregate classification.

Genome Diagnostics Laboratory, University Medical Center Utrecht
Classification: Uncertain significance. Review status: no assertion criteria provided. Collection method: clinical testing. Allele origin: germline. Affected: yes. Study: VKGL Data-share Consensus. Not counted in ClinVar's aggregate classification.

Literature cited by the submitters: PubMed 24125834 (cited by 4 submitters); PubMed 27055156 (cited by 4 submitters); PubMed 29456632 (cited by Labcorp Genetics (formerly Invitae), Labcorp); PubMed 30830208 (cited by Labcorp Genetics (formerly Invitae), Labcorp); PubMed 32659924 (cited by 3 submitters); PubMed 33460606 (cited by 4 submitters); PubMed 28288337 (cited by Ambry Genetics); PubMed 29750433 (cited by 3 submitters); PubMed 33996946 (cited by Ambry Genetics); PubMed 30847666 (cited by All of Us Research Program, National Institutes of Health and Color Diagnostics, LLC DBA Color Health); PubMed 37418234 (cited by All of Us Research Program, National Institutes of Health and Color Diagnostics, LLC DBA Color Health).

NM_001943.5(DSG2):c.593A>G (p.Tyr198Cys)

Gene: DSG2 (desmoglein 2; plus strand). Cytogenetic location: 18q12.1.
Variant type: single nucleotide variant.
Coding change: c.593A>G on transcript NM_001943.5 (MANE Select); coding-DNA position 593, A replaced by G.
Protein change: p.Tyr198Cys; replaces tyrosine 198 with cysteine.
Molecular consequence: missense variant.
Genome position (GRCh38, 1-based): chr18:31,522,152, A>G. VCF-style: chr18-31522152-A-G. GRCh37 (hg19) VCF-style: chr18-29102115-A-G.
Other names: short protein forms Y198C.
Identifiers: ClinVar variation 188451 (VCV000188451.26), dbSNP rs786204291, ClinGen allele CA022203.